The following is an entry in ClinVar:

NM_016227.4(SUCO):c.5G>C (p.Arg2Thr)

Gene: SUCO (SUN domain containing ossification factor; plus strand). Cytogenetic location: 1q24.3.
Variant type: single nucleotide variant.
Coding change: c.5G>C on transcript NM_016227.4; coding-DNA position 5, G replaced by C.
Protein change: p.Arg2Thr; replaces arginine 2 with threonine.
Molecular consequence: missense variant.
Genome position (GRCh38, 1-based): chr1:172,532,477, G>C. VCF-style: chr1-172532477-G-C. GRCh37 (hg19) VCF-style: chr1-172501617-G-C.
Other names: short protein forms R2T.
Identifiers: ClinVar variation 3033584 (VCV003033584.2), dbSNP rs75760494, ClinGen allele CA1246307.

ClinVar aggregate classification (germline): Benign (0 of 4 stars; one submission).

Conditions:
SUCO-related disorder. Also called: SUCO-related condition.

Allele frequency attached by ClinVar (database versions not stated): ExAC 0.00687; ESP Exome Variant Server 0.00033; gnomAD 0.00354; TOPMed 0.00266; 1000 Genomes Project 30x 0.00718; 1000 Genomes Project 0.00759.

Submission:

PreventionGenetics, part of Exact Sciences
Classification: Benign for SUCO-related condition. Last evaluated: 2020-01-27. Review status: no assertion criteria provided. Collection method: clinical testing. Allele origin: germline.
Comment: This variant is classified as benign based on ACMG/AMP sequence variant interpretation guidelines (Richards et al. 2015 PMID: 25741868, with internal and published modifications).